The following is an entry in ClinVar:

NM_006306.4(SMC1A):c.2671A>G (p.Met891Val)

Gene: SMC1A (structural maintenance of chromosomes 1A; minus strand). Cytogenetic location: Xp11.22.
Variant type: single nucleotide variant.
Coding change: c.2671A>G on transcript NM_006306.4 (MANE Select); coding-DNA position 2671, A replaced by G.
Protein change: p.Met891Val; replaces methionine 891 with valine.
Molecular consequence: missense variant.
Genome position (GRCh38, 1-based): chrX:53,396,509, T>C on the plus strand (A>G on the coding strand, the complement: SMC1A is on the minus strand). VCF-style: chrX-53396509-T-C. GRCh37 (hg19) VCF-style: chrX-53423429-T-C.
Other names: c.2605A>G, p.Met869Val (NM_001281463.1); short protein forms M869V, M891V.
Identifiers: ClinVar variation 1339051 (VCV001339051.2), dbSNP rs2146593592, ClinGen allele CA413248629.

ClinVar aggregate classification (germline): Uncertain significance (1 of 4 stars; one submission).

Conditions:
Congenital muscular hypertrophy-cerebral syndrome (CDLS2). Also called: Cornelia de Lange syndrome 2; SMC1A-Related Cornelia de Lange Syndrome. Identifiers: Orphanet 199, MedGen C1802395, MONDO:0010370, OMIM 300590.

Submission:

Neuberg Centre For Genomic Medicine, NCGM
Classification: Uncertain significance for Congenital muscular hypertrophy-cerebral syndrome. Review status: criteria provided, single submitter. Criteria: ACMG Guidelines, 2015. Collection method: clinical testing. Allele origin: germline. Affected: yes.
Comment: The missense variant p.M891V in SMC1A (NM_006306.4) has not been reported previously as a pathogenic variant nor as a benign variant, to our knowledge. The p.M891V variant is novel (not in any individuals) in gnomAD Exomes and is novel (not in any individuals) in 1000 Genomes. The p.M891V missense variant is predicted to be damaging by both SIFT and PolyPhen2. The methionine residue at codon 891 of SMC1A is conserved in all mammalian species. The nucleotide c.2671 in SMC1A is predicted conserved by GERP++ and PhyloP across 100 vertebrates. For these reasons, this variant has been classified as Uncertain Significance.